The following is an entry in ClinVar:

NM_000129.4(F13A1):c.313G>A (p.Val105Ile)

Gene: F13A1 (coagulation factor XIII A chain; minus strand). Cytogenetic location: 6p25.1.
Variant type: single nucleotide variant.
Coding change: c.313G>A on transcript NM_000129.4 (MANE Select); coding-DNA position 313, G replaced by A.
Protein change: p.Val105Ile; replaces valine 105 with isoleucine.
Molecular consequence: missense variant.
Genome position (GRCh38, 1-based): chr6:6,305,357, C>T on the plus strand (G>A on the coding strand, the complement: F13A1 is on the minus strand). VCF-style: chr6-6305357-C-T. GRCh37 (hg19) VCF-style: chr6-6305590-C-T.
Other names: short protein forms V105I.
Identifiers: ClinVar variation 3779634 (VCV003779634.2).
Genomic context (GRCh38, chr6:6,305,357, plus strand): 5'-CTCTCTACAATGCAACCCATGGTGTCAAGACTGGAGCTTGCACATGGCACTCACCAATGA[C>T]GTATTCCACCCTGAAGAGATCCCTTCTGGGGTCATATGGACGACTGAAGTCAATCTGCAC-3'
Protein context (NP_000120.2, residues 95-115): PRRDLFRVEY[Val105Ile]IGRYPQENKG

ClinVar aggregate classification (germline): Uncertain significance. Review status: criteria provided, multiple submitters, no conflicts (2 of 4 stars). 2 submissions from 2 submitters: Uncertain significance (2). Last evaluated 2026-05-05.

Conditions:
F13A1-related disorder. Also called: F13A1-related condition.
Factor XIII, A subunit, deficiency of. Also called: Factor XIII subunit A deficiency. Identifiers: Orphanet 331, MedGen C2750514, MONDO:0013187, OMIM 613225, HP:0040233.

gnomAD v4.1: 11 of 1,614,056 alleles (0.00068%); highest among the groups gnomAD compares: Admixed American, 0.0033%; no homozygotes.

Submissions (2):

PreventionGenetics, part of Exact Sciences
Classification: Uncertain significance for F13A1-related condition. Last evaluated: 2026-05-05. Review status: criteria provided, single submitter. Criteria: ACMG Guidelines, 2015. Collection method: clinical testing. Allele origin: germline.
Comment: The F13A1 c.313G>A variant is predicted to result in the amino acid substitution p.Val105Ile. To our knowledge, this variant has not been reported in the literature. This variant is reported in 0.0028% of alleles in individuals of Latino descent in gnomAD. At this time, the clinical significance of this variant is uncertain due to the absence of conclusive functional and genetic evidence.

Department of Pathology and Laboratory Medicine, Sinai Health System
Classification: Uncertain significance for Factor XIII, A subunit, deficiency of. Last evaluated: 2022-10-03. Review status: criteria provided, single submitter. Criteria: ACMG Guidelines, 2015. Collection method: research. Allele origin: germline.